The following is an entry in ClinVar:

NM_019023.5(PRMT7):c.2060A>G (p.His687Arg)

Gene: PRMT7 (protein arginine methyltransferase 7; plus strand). Cytogenetic location: 16q22.1.
Variant type: single nucleotide variant.
Coding change: c.2060A>G on transcript NM_019023.5 (MANE Select); coding-DNA position 2060, A replaced by G.
Protein change: p.His687Arg; replaces histidine 687 with arginine.
Molecular consequence: missense variant. On other transcripts: non-coding transcript variant (11), intron variant (1).
Genome position (GRCh38, 1-based): chr16:68,357,205, A>G. VCF-style: chr16-68357205-A-G. GRCh37 (hg19) VCF-style: chr16-68391108-A-G.
Other names: c.2057+3A>G (NM_001351143.3); c.1910A>G, p.His637Arg (NM_001184824.4); c.2060A>G, p.His687Arg (NM_001290018.2, NM_001378018.1); c.2063A>G, p.His688Arg (NM_001351144.3); c.1853A>G, p.His618Arg (NM_001378020.1); c.1823A>G, p.His608Arg (NM_001378021.1, NM_001378022.1, NM_001378023.1); short protein forms H608R, H618R, H637R, H687R, H688R.
Identifiers: ClinVar variation 4082933 (VCV004082933.1).

ClinVar aggregate classification (germline): Uncertain significance (1 of 4 stars; one submission).

gnomAD v4.1: 3 of 1,613,318 alleles (0.00019%); highest among the groups gnomAD compares: Non-Finnish European, 0.000085%; no homozygotes.

Submission:

GeneDx
Classification: Uncertain significance. Last evaluated: 2025-03-06. Review status: criteria provided, single submitter. Criteria: GeneDx Variant Classification Process June 2021. Collection method: clinical testing. Allele origin: germline. Affected: yes.
Comment: Not observed at significant frequency in large population cohorts (gnomAD); In silico analysis indicates that this missense variant does not alter protein structure/function; Has not been previously published as pathogenic or benign to our knowledge